The following is an entry in ClinVar:

ClinVar aggregate classification (germline): Uncertain significance (1 of 4 stars; one submission).

Conditions:
Neuronopathy, distal hereditary motor, autosomal recessive 5. Also called: NEUROPATHY, DISTAL HEREDITARY MOTOR, AUTOSOMAL RECESSIVE 5; Young adult-onset distal hereditary motor neuropathy; Spinal muscular atrophy, distal, autosomal recessive, 5. Identifiers: Orphanet 314485, Orphanet 443950, MedGen C4749918, MONDO:0013947, OMIM 614881.

gnomAD v4.1: 5 of 1,613,782 alleles (0.00031%); highest among the groups gnomAD compares: Non-Finnish European, 0.00042%; no homozygotes.

Submission:

Labcorp Genetics (formerly Invitae), Labcorp
Classification: Uncertain significance for Neuronopathy, distal hereditary motor, autosomal recessive 5. Last evaluated: 2023-06-10. Review status: criteria provided, single submitter. Criteria: Invitae Variant Classification Sherloc (09022015). Collection method: clinical testing. Allele origin: germline.
Comment: This sequence change falls in intron 2 of the DNAJB2 gene. It does not directly change the encoded amino acid sequence of the DNAJB2 protein. This variant is not present in population databases (gnomAD no frequency). This variant has not been reported in the literature in individuals affected with DNAJB2-related conditions. Algorithms developed to predict the effect of sequence changes on RNA splicing suggest that this variant may disrupt the consensus splice site. In summary, the available evidence is currently insufficient to determine the role of this variant in disease. Therefore, it has been classified as a Variant of Uncertain Significance.

NM_006736.6(DNAJB2):c.65+12C>T

Gene: DNAJB2 (DnaJ heat shock protein family (Hsp40) member B2; plus strand). Cytogenetic location: 2q35.
Variant type: single nucleotide variant.
Coding change: c.65+12C>T on transcript NM_006736.6 (MANE Select); 12 bases into the intron after coding-DNA position 65, C replaced by T.
Molecular consequence: intron variant.
Genome position (GRCh38, 1-based): chr2:219,279,910, C>T. VCF-style: chr2-219279910-C-T. GRCh37 (hg19) VCF-style: chr2-220144632-C-T.
Other names: c.65+12C>T (NM_001039550.2).
Identifiers: ClinVar variation 2706344 (VCV002706344.3), dbSNP rs1044556723, ClinGen allele CA65956495.